The following is an entry in ClinVar:

ClinVar aggregate classification (germline): Likely benign. Review status: criteria provided, single submitter (1 of 4 stars). 2 submissions from 2 submitters: Likely benign (1). 1 of the submissions does not count toward it. Last evaluated 2025-01-15.

Conditions:
MYO5B-related disorder. Also called: MYO5B-related condition.

Submissions (2):

Labcorp Genetics (formerly Invitae), Labcorp
Classification: Likely benign. Last evaluated: 2025-01-15. Review status: criteria provided, single submitter. Criteria: Invitae Variant Classification Sherloc (09022015). Collection method: clinical testing. Allele origin: germline.

PreventionGenetics, part of Exact Sciences
Classification: Likely benign for MYO5B-related condition. Last evaluated: 2024-09-19. Review status: no assertion criteria provided. Collection method: clinical testing. Allele origin: germline. Not counted in ClinVar's aggregate classification.
Comment: This variant is classified as likely benign based on ACMG/AMP sequence variant interpretation guidelines (Richards et al. 2015 PMID: 25741868, with internal and published modifications).

NM_001080467.3(MYO5B):c.579A>G (p.Glu193=)

Gene: MYO5B (myosin VB; minus strand). Cytogenetic location: 18q21.1.
Variant type: single nucleotide variant.
Coding change: c.579A>G on transcript NM_001080467.3 (MANE Select); coding-DNA position 579, A replaced by G.
Protein change: p.Glu193=; no amino-acid change (glutamic acid 193 retained).
Molecular consequence: synonymous variant.
Genome position (GRCh38, 1-based): chr18:50,001,288, T>C on the plus strand (A>G on the coding strand, the complement: MYO5B is on the minus strand). VCF-style: chr18-50001288-T-C. GRCh37 (hg19) VCF-style: chr18-47527658-T-C.
Identifiers: ClinVar variation 3348863 (VCV003348863.3).